The following is an entry in ClinVar:

ClinVar aggregate classification (germline): Uncertain significance (1 of 4 stars; one submission).

Conditions:
Hereditary cancer-predisposing syndrome. Also called: Hereditary Cancer Syndrome; Hereditary neoplastic syndrome; Neoplastic Syndromes, Hereditary; Tumor predisposition. Identifiers: Orphanet 140162, MedGen C0027672, MeSH D009386, MONDO:0015356.

Submission:

Ambry Genetics
Classification: Uncertain significance for Hereditary cancer-predisposing syndrome. Last evaluated: 2025-04-04. Review status: criteria provided, single submitter. Criteria: Ambry Variant Classification Scheme 2023. Collection method: clinical testing. Allele origin: germline.
Comment: The p.A683S variant (also known as c.2047G>T), located in coding exon 4 of the MSH6 gene, results from a G to T substitution at nucleotide position 2047. The alanine at codon 683 is replaced by serine, an amino acid with similar properties. This amino acid position is conserved. In addition, this alteration is predicted to be deleterious by in silico analysis. Based on the available evidence, the clinical significance of this variant remains unclear.

NM_000179.3(MSH6):c.2047G>T (p.Ala683Ser)

Gene: MSH6 (mutS homolog 6; plus strand). Cytogenetic location: 2p16.3.
Variant type: single nucleotide variant.
Coding change: c.2047G>T on transcript NM_000179.3 (MANE Select); coding-DNA position 2047, G replaced by T.
Protein change: p.Ala683Ser; replaces alanine 683 with serine.
Molecular consequence: missense variant. On other transcripts: non-coding transcript variant (5), intron variant (2).
Genome position (GRCh38, 1-based): chr2:47,800,030, G>T. VCF-style: chr2-47800030-G-T. GRCh37 (hg19) VCF-style: chr2-48027169-G-T.
Other names: c.1657G>T, p.Ala553Ser (NM_001281492.2); c.1141G>T, p.Ala381Ser (NM_001281493.2, NM_001281494.2, NM_001406811.1 and 6 more transcripts); c.2143G>T, p.Ala715Ser (NM_001406795.1, NM_001406802.1); c.2047G>T, p.Ala683Ser (NM_001406796.1, NM_001406798.1, NM_001406800.1 and 3 more transcripts); c.1750G>T, p.Ala584Ser (NM_001406797.1, NM_001406801.1, NM_001406805.1 and 10 more transcripts); c.1522G>T, p.Ala508Ser (NM_001406799.1, NM_001406806.1, NM_001406807.1); c.1969G>T, p.Ala657Ser (NM_001406804.1); c.2053G>T, p.Ala685Ser (NM_001406813.1); and 3 more; short protein forms A381S, A685S, A508S, A553S, A627S, A657S, A683S, A584S.
Identifiers: ClinVar variation 3913716 (VCV003913716.1).